The following is an entry in ClinVar:

NM_138773.4(SLC25A46):c.574C>T (p.His192Tyr)

Gene: SLC25A46 (solute carrier family 25 member 46; plus strand). Cytogenetic location: 5q22.1.
Variant type: single nucleotide variant.
Coding change: c.574C>T on transcript NM_138773.4 (MANE Select); coding-DNA position 574, C replaced by T.
Protein change: p.His192Tyr; replaces histidine 192 with tyrosine.
Molecular consequence: missense variant. On other transcripts: non-coding transcript variant (1).
Genome position (GRCh38, 1-based): chr5:110,755,475, C>T. VCF-style: chr5-110755475-C-T. GRCh37 (hg19) VCF-style: chr5-110091175-C-T.
Other names: c.574C>T, p.His192Tyr (NM_001303249.3); c.301C>T, p.His101Tyr (NM_001303250.3); short protein forms H192Y, H101Y.
Identifiers: ClinVar variation 4774308 (VCV004774308.1).

ClinVar aggregate classification (germline): Uncertain significance (1 of 4 stars; one submission).

Conditions:
Neuropathy, hereditary motor and sensory, type 6B (HMSN6B). Also called: HMSN VIB; CHARCOT-MARIE-TOOTH DISEASE, TYPE 6B; NEUROPATHY, HEREDITARY MOTOR AND SENSORY, TYPE VIB, WITH OPTIC ATROPHY; Neuropathy, hereditary motor and sensory, type VIB. Identifiers: MedGen C4225302, MONDO:0014671, OMIM 616505.

gnomAD v4.1: 1 of 1,569,548 alleles (0.000064%); highest among the groups gnomAD compares: Non-Finnish European, 0.000086%; no homozygotes.

Submission:

Labcorp Genetics (formerly Invitae), Labcorp
Classification: Uncertain significance for Neuropathy, hereditary motor and sensory, type 6B. Last evaluated: 2025-10-08. Review status: criteria provided, single submitter. Criteria: Invitae Variant Classification Sherloc (09022015). Collection method: clinical testing. Allele origin: germline.
Comment: This sequence change replaces histidine, which is basic and polar, with tyrosine, which is neutral and polar, at codon 192 of the SLC25A46 protein (p.His192Tyr). This variant is not present in population databases (gnomAD no frequency). This variant has not been reported in the literature in individuals affected with SLC25A46-related conditions. Invitae Evidence Modeling of protein sequence and biophysical properties (such as structural, functional, and spatial information, amino acid conservation, physicochemical variation, residue mobility, and thermodynamic stability) indicates that this missense variant is not expected to disrupt SLC25A46 protein function with a negative predictive value of 80%. In summary, the available evidence is currently insufficient to determine the role of this variant in disease. Therefore, it has been classified as a Variant of Uncertain Significance.